The following is an entry in ClinVar:

NM_019048.4(ASNSD1):c.1232C>T (p.Ala411Val)

Gene: ASNSD1 (asparagine synthetase domain containing 1; plus strand). Cytogenetic location: 2q32.2.
Variant type: single nucleotide variant.
Coding change: c.1232C>T on transcript NM_019048.4 (MANE Select); coding-DNA position 1232, C replaced by T.
Protein change: p.Ala411Val; replaces alanine 411 with valine.
Molecular consequence: missense variant.
Genome position (GRCh38, 1-based): chr2:189,667,364, C>T. VCF-style: chr2-189667364-C-T. GRCh37 (hg19) VCF-style: chr2-190532090-C-T.
Other names: c.1232C>T, p.Ala411Val (NM_001353497.2); short protein forms A411V.
Identifiers: ClinVar variation 4863842 (VCV004863842.1).
Genomic context (GRCh38, chr2:189,667,364, plus strand): 5'-CTGCTGCTGCTGACAGTCCTAATAAACATGTCAGTGTACCAGATCGAATCACAGGAAGGG[C>T]GGGACTAAAGGAACTACAAGCTGTTAGCCCTTCCCGAATTTGGAATTTTGTTGAAATTAA-3'
Protein context (NP_061921.2, residues 401-421): VSVPDRITGR[Ala411Val]GLKELQAVSP

ClinVar aggregate classification (germline): Uncertain significance (1 of 4 stars; one submission).

gnomAD v4.1: 26 of 1,614,074 alleles (0.0016%); highest among the groups gnomAD compares: South Asian, 0.0033%; no homozygotes.

Submission:

Ambry Genetics
Classification: Uncertain significance. Last evaluated: 2026-06-03. Review status: criteria provided, single submitter. Criteria: Ambry Variant Classification Scheme 2023. Collection method: clinical testing. Allele origin: germline.
Comment: The c.1232C>T (p.A411V) alteration is located in exon 4 (coding exon 1) of the ASNSD1 gene. This alteration results from a C to T substitution at nucleotide position 1232, causing the alanine (A) at amino acid position 411 to be replaced by a valine (V). Based on data from gnomAD, the T allele has an overall frequency of <0.001% (1/251068) total alleles studied. The highest observed frequency was 0.005% (1/18384) of East Asian alleles. Based on insufficient or conflicting evidence, the clinical significance of this alteration remains unclear.